The following is an entry in ClinVar:

ClinVar aggregate classification (germline): Likely benign. Review status: criteria provided, single submitter (1 of 4 stars). 2 submissions from 2 submitters: Likely benign (1). 1 of the submissions does not count toward it. Last evaluated 2024-01-04.

Conditions:
PCNT-related disorder. Also called: PCNT-related condition.

Allele frequency attached by ClinVar (database versions not stated): gnomAD exomes 0.00001; TOPMed 0.00001; ExAC 0.00003; gnomAD 0.00003; 1000 Genomes Project 0.00020; 1000 Genomes Project 30x 0.00031.
gnomAD v4.1: 16 of 1,614,146 alleles (0.00099%); highest among the groups gnomAD compares: East Asian, 0.0022%; no homozygotes.

Submissions (2):

Labcorp Genetics (formerly Invitae), Labcorp
Classification: Likely benign. Last evaluated: 2024-01-04. Review status: criteria provided, single submitter. Criteria: Invitae Variant Classification Sherloc (09022015). Collection method: clinical testing. Allele origin: germline.

PreventionGenetics, part of Exact Sciences
Classification: Likely benign for PCNT-related condition. Last evaluated: 2023-12-18. Review status: no assertion criteria provided. Collection method: clinical testing. Allele origin: germline. Not counted in ClinVar's aggregate classification.
Comment: This variant is classified as likely benign based on ACMG/AMP sequence variant interpretation guidelines (Richards et al. 2015 PMID: 25741868, with internal and published modifications).

NM_006031.6(PCNT):c.1986C>T (p.Ala662=)

Gene: PCNT (pericentrin; plus strand). Cytogenetic location: 21q22.3.
Variant type: single nucleotide variant.
Coding change: c.1986C>T on transcript NM_006031.6 (MANE Select); coding-DNA position 1986, C replaced by T.
Protein change: p.Ala662=; no amino-acid change (alanine 662 retained).
Molecular consequence: synonymous variant.
Genome position (GRCh38, 1-based): chr21:46,357,023, C>T. VCF-style: chr21-46357023-C-T. GRCh37 (hg19) VCF-style: chr21-47776938-C-T.
Other names: c.1986C>T (NM_006031.5); c.1632C>T, p.Ala544= (NM_001315529.2).
Identifiers: ClinVar variation 2955662 (VCV002955662.4), dbSNP rs575954794, ClinGen allele CA10078850.
Genomic context (GRCh38, chr21:46,357,023, plus strand): 5'-TTTCCACACAGAGCTTCCCTGGGTGCATCTCCAGGGTGTGCAGGACGGGGACTTGGAGGC[C>T]GACACAGAGCGGGCAGCCAGAGTCTTGGGTCTGGAAACTGAGCACAAGGTGCAACTTTCG-3'
Protein context (NP_006022.3, residues 652-672): LQGVQDGDLE[Ala662=]DTERAARVLG